The following is an entry in ClinVar:

ClinVar aggregate classification (germline): Uncertain significance (1 of 4 stars; one submission).

Conditions:
Atrial fibrillation, familial, 6 (ATFB6). Identifiers: MedGen C2677294, MONDO:0012816, OMIM 612201.

Allele frequency attached by ClinVar (database versions not stated): TOPMed 0.00001.

Submission:

Labcorp Genetics (formerly Invitae), Labcorp
Classification: Uncertain significance for Atrial fibrillation, familial, 6. Last evaluated: 2025-02-12. Review status: criteria provided, single submitter. Criteria: Invitae Variant Classification Sherloc (09022015). Collection method: clinical testing. Allele origin: germline.
Comment: This sequence change replaces alanine, which is neutral and non-polar, with glycine, which is neutral and non-polar, at codon 70 of the NPPA protein (p.Ala70Gly). This variant is not present in population databases (gnomAD no frequency). This variant has not been reported in the literature in individuals affected with NPPA-related conditions. ClinVar contains an entry for this variant (Variation ID: 1376244). An algorithm developed to predict the effect of missense changes on protein structure and function (PolyPhen-2) suggests that this variant is likely to be tolerated. In summary, the available evidence is currently insufficient to determine the role of this variant in disease. Therefore, it has been classified as a Variant of Uncertain Significance.

NM_006172.4(NPPA):c.209C>G (p.Ala70Gly)

Genes: NPPA (natriuretic peptide A; minus strand), NPPA-AS1 (NPPA antisense RNA 1; plus strand), LOC114827827 (VISTA enhancer hs2123; plus strand). Cytogenetic location: 1p36.22.
Variant type: single nucleotide variant.
Coding change: c.209C>G on transcript NM_006172.4 (MANE Select); coding-DNA position 209, C replaced by G.
Protein change: p.Ala70Gly; replaces alanine 70 with glycine.
Molecular consequence: missense variant.
Genome position (GRCh38, 1-based): chr1:11,847,354, G>C on the plus strand (C>G on the coding strand, the complement: NPPA is on the minus strand). VCF-style: chr1-11847354-G-C. GRCh37 (hg19) VCF-style: chr1-11907411-G-C.
Other names: short protein forms A70G.
Identifiers: ClinVar variation 1376244 (VCV001376244.6), dbSNP rs13305987, ClinGen allele CA338451137.